The following is an entry in ClinVar:

ClinVar aggregate classification (germline): Likely benign. Review status: criteria provided, multiple submitters, no conflicts (2 of 4 stars). 2 submissions from 2 submitters: Likely benign (2). Last evaluated 2025-06-11.

Conditions:
Bethlem myopathy 1A. Also called: MYOPATHY, BENIGN CONGENITAL, WITH CONTRACTURES; Bethlem Muscular Dystrophy; Bethlem myopathy 1. Identifiers: Orphanet 610, MedGen CN029274, MONDO:0024530, OMIM 158810.

Allele frequency attached by ClinVar (database versions not stated): gnomAD 0.00001; ExAC 0.00002; gnomAD exomes 0.00003 and 0.00009; TOPMed 0.00003; ESP Exome Variant Server 0.00015.
gnomAD v4.1: 139 of 1,613,496 alleles (0.0086%); highest among the groups gnomAD compares: Non-Finnish European, 0.011%; no homozygotes.

Submissions (2):

Labcorp Genetics (formerly Invitae), Labcorp
Classification: Likely benign for Bethlem myopathy 1A. Last evaluated: 2025-06-11. Review status: criteria provided, single submitter. Criteria: Invitae Variant Classification Sherloc (09022015). Collection method: clinical testing. Allele origin: germline.

GeneDx
Classification: Likely benign. Last evaluated: 2016-10-17. Review status: criteria provided, single submitter. Criteria: GeneDx Variant Classification (06012015). Collection method: clinical testing. Allele origin: germline. Affected: yes.
Comment: This variant is considered likely benign or benign based on one or more of the following criteria: it is a conservative change, it occurs at a poorly conserved position in the protein, it is predicted to be benign by multiple in silico algorithms, and/or has population frequency not consistent with disease.

NM_001848.3(COL6A1):c.1236+14C>T

Gene: COL6A1 (collagen type VI alpha 1 chain; plus strand). Cytogenetic location: 21q22.3.
Variant type: single nucleotide variant.
Coding change: c.1236+14C>T on transcript NM_001848.3 (MANE Select); 14 bases into the intron after coding-DNA position 1236, C replaced by T.
Molecular consequence: intron variant.
Genome position (GRCh38, 1-based): chr21:45,992,231, C>T. VCF-style: chr21-45992231-C-T. GRCh37 (hg19) VCF-style: chr21-47412145-C-T.
Identifiers: ClinVar variation 389530 (VCV000389530.9), dbSNP rs372483312, ClinGen allele CA10070174.